The following is an entry in ClinVar:

ClinVar aggregate classification (germline): Uncertain significance (1 of 4 stars; one submission).

Submission:

Ambry Genetics
Classification: Uncertain significance. Last evaluated: 2025-12-22. Review status: criteria provided, single submitter. Criteria: Ambry Variant Classification Scheme 2023. Collection method: clinical testing. Allele origin: germline.
Comment: The p.C74R variant (also known as c.220T>C), located in coding exon 1 of the ATRIP gene, results from a T to C substitution at nucleotide position 220. The cysteine at codon 74 is replaced by arginine, an amino acid with highly dissimilar properties. This amino acid position is conserved. In addition, this alteration is predicted to be tolerated by in silico analysis. Based on the available evidence, the clinical significance of this variant remains unclear.

NM_130384.3(ATRIP):c.220T>C (p.Cys74Arg)

Genes: ATRIP (ATR interacting protein; plus strand), ATRIP-TREX1 (ATRIP-TREX1 readthrough; plus strand). Cytogenetic location: 3p21.31.
Variant type: single nucleotide variant.
Coding change: c.220T>C on transcript NM_130384.3 (MANE Select); coding-DNA position 220, T replaced by C.
Protein change: p.Cys74Arg; replaces cysteine 74 with arginine.
Molecular consequence: missense variant. On other transcripts: non-coding transcript variant (1), intron variant (1).
Genome position (GRCh38, 1-based): chr3:48,447,065, T>C. VCF-style: chr3-48447065-T-C. GRCh37 (hg19) VCF-style: chr3-48488469-T-C.
Other names: c.220T>C, p.Cys74Arg (NM_032166.4); c.-218+266T>C (NM_001271022.2); short protein forms C74R.
Identifiers: ClinVar variation 4842167 (VCV004842167.1).